The following is an entry in ClinVar:

NM_017534.6(MYH2):c.3403C>T (p.Arg1135Trp)

Genes: MYH2 (myosin heavy chain 2; minus strand), MYHAS (myosin heavy chain gene cluster antisense RNA; plus strand). Cytogenetic location: 17p13.1.
Variant type: single nucleotide variant.
Coding change: c.3403C>T on transcript NM_017534.6 (MANE Select); coding-DNA position 3403, C replaced by T.
Protein change: p.Arg1135Trp; replaces arginine 1135 with tryptophan.
Molecular consequence: missense variant.
Genome position (GRCh38, 1-based): chr17:10,529,031, G>A on the plus strand (C>T on the coding strand, the complement: MYH2 is on the minus strand). VCF-style: chr17-10529031-G-A. GRCh37 (hg19) VCF-style: chr17-10432348-G-A.
Other names: p.Arg1135Trp; c.3403C>T, p.Arg1135Trp (NM_001100112.2); short protein forms R1135W.
Identifiers: ClinVar variation 841548 (VCV000841548.16), dbSNP rs200134368, ClinGen allele CA8390904.

ClinVar aggregate classification (germline): Uncertain significance. Review status: criteria provided, multiple submitters, no conflicts (2 of 4 stars). 4 submissions from 4 submitters: Uncertain significance (4). Last evaluated 2026-01-02.

Conditions:
Myopathy, proximal, and ophthalmoplegia (CMYO6). Also called: INCLUSION BODY MYOPATHY 3, AUTOSOMAL DOMINANT; MYOPATHY WITH CONGENITAL JOINT CONTRACTURES, OPHTHALMOPLEGIA, AND RIMMED VACUOLES; CONGENITAL MYOPATHY 6 WITH OPHTHALMOPLEGIA. Identifiers: Orphanet 363677, Orphanet 79091, MedGen C1854106, MONDO:0011577, OMIM 605637.

Allele frequency attached by ClinVar (database versions not stated): TOPMed 0.00005; gnomAD 0.00006 and 0.00008; ExAC 0.00008; gnomAD exomes 0.00010 and 0.00019; 1000 Genomes Project 30x 0.00031; 1000 Genomes Project 0.00040.
gnomAD v4.1: 293 of 1,614,200 alleles (0.018%); highest among the groups gnomAD compares: East Asian, 0.5%; no homozygotes.

Submissions (4):

Labcorp Genetics (formerly Invitae), Labcorp
Classification: Uncertain significance for Myopathy, proximal, and ophthalmoplegia. Last evaluated: 2026-01-02. Review status: criteria provided, single submitter. Criteria: Invitae Variant Classification Sherloc (09022015). Collection method: clinical testing. Allele origin: germline.
Comment: This sequence change replaces arginine, which is basic and polar, with tryptophan, which is neutral and slightly polar, at codon 1135 of the MYH2 protein (p.Arg1135Trp). This variant is present in population databases (rs200134368, gnomAD 0.1%). This variant has not been reported in the literature in individuals affected with MYH2-related conditions. ClinVar contains an entry for this variant (Variation ID: 841548). Invitae Evidence Modeling of protein sequence and biophysical properties (such as structural, functional, and spatial information, amino acid conservation, physicochemical variation, residue mobility, and thermodynamic stability) indicates that this missense variant is expected to disrupt MYH2 protein function with a positive predictive value of 80%. In summary, the available evidence is currently insufficient to determine the role of this variant in disease. Therefore, it has been classified as a Variant of Uncertain Significance.

Mayo Clinic Laboratories, Mayo Clinic
Classification: Uncertain significance. Last evaluated: 2025-01-22. Review status: criteria provided, single submitter. Criteria: ACMG Guidelines, 2015. Collection method: clinical testing. Allele origin: germline. Observed: 1 variant allele.
Comment: BS1

GeneDx
Classification: Uncertain significance. Last evaluated: 2024-08-13. Review status: criteria provided, single submitter. Criteria: GeneDx Variant Classification Process June 2021. Collection method: clinical testing. Allele origin: germline. Affected: yes.
Comment: In silico analysis supports that this missense variant has a deleterious effect on protein structure/function; Has not been previously published as pathogenic or benign to our knowledge

Revvity Omics, Revvity
Classification: Uncertain significance for Myopathy, proximal, and ophthalmoplegia. Last evaluated: 2019-02-08. Review status: criteria provided, single submitter. Criteria: ACMG Guidelines, 2015. Collection method: clinical testing. Allele origin: germline.

Literature cited by the submitters: PubMed 36553632 (cited by Mayo Clinic Laboratories, Mayo Clinic).